The following is an entry in ClinVar:

NM_002490.6(NDUFA6):c.368A>G (p.Tyr123Cys)

Gene: NDUFA6 (NADH:ubiquinone oxidoreductase subunit A6; minus strand). Cytogenetic location: 22q13.2.
Variant type: single nucleotide variant.
Coding change: c.368A>G on transcript NM_002490.6 (MANE Select); coding-DNA position 368, A replaced by G.
Protein change: p.Tyr123Cys; replaces tyrosine 123 with cysteine.
Molecular consequence: missense variant.
Genome position (GRCh38, 1-based): chr22:42,086,202, T>C on the plus strand (A>G on the coding strand, the complement: NDUFA6 is on the minus strand). VCF-style: chr22-42086202-T-C. GRCh37 (hg19) VCF-style: chr22-42482206-T-C.
Other names: c.446A>G (NM_002490.3); short protein forms Y123C.
Identifiers: ClinVar variation 1919526 (VCV001919526.6), dbSNP rs141833363, ClinGen allele CA10264311.

ClinVar aggregate classification (germline): Uncertain significance. Review status: criteria provided, multiple submitters, no conflicts (2 of 4 stars). 2 submissions from 2 submitters: Uncertain significance (2). Last evaluated 2025-01-23.

Conditions:
Inborn genetic diseases. Identifiers: MedGen C0950123, MeSH D030342.

Allele frequency attached by ClinVar (database versions not stated): gnomAD 0.00001; gnomAD exomes 0.00001; TOPMed 0.00003; ExAC 0.00004; ESP Exome Variant Server 0.00008.
gnomAD v4.1: 20 of 1,614,128 alleles (0.0012%); highest among the groups gnomAD compares: South Asian, 0.011%; no homozygotes.

Submissions (2):

Ambry Genetics
Classification: Uncertain significance for Inborn genetic diseases. Last evaluated: 2025-01-23. Review status: criteria provided, single submitter. Criteria: Ambry Variant Classification Scheme 2023. Collection method: clinical testing. Allele origin: germline.

Labcorp Genetics (formerly Invitae), Labcorp
Classification: Uncertain significance. Last evaluated: 2024-02-17. Review status: criteria provided, single submitter. Criteria: Invitae Variant Classification Sherloc (09022015). Collection method: clinical testing. Allele origin: germline.
Comment: This sequence change replaces tyrosine, which is neutral and polar, with cysteine, which is neutral and slightly polar, at codon 149 of the NDUFA6 protein (p.Tyr149Cys). This variant is present in population databases (rs141833363, gnomAD 0.01%). This variant has not been reported in the literature in individuals affected with NDUFA6-related conditions. ClinVar contains an entry for this variant (Variation ID: 1919526). An algorithm developed to predict the effect of missense changes on protein structure and function (PolyPhen-2) suggests that this variant is likely to be disruptive. In summary, the available evidence is currently insufficient to determine the role of this variant in disease. Therefore, it has been classified as a Variant of Uncertain Significance.